The following is an entry in ClinVar:

ClinVar aggregate classification (germline): Pathogenic (1 of 4 stars; one submission).

Conditions:
MHC class I deficiency. Identifiers: Orphanet 34592, MedGen C6024714, MONDO:0011476.

Allele frequency attached by ClinVar (database versions not stated): ExAC 0.00002; gnomAD exomes 0.00001.
gnomAD v4.1: 4 of 1,613,100 alleles (0.00025%); highest among the groups gnomAD compares: Non-Finnish European, 0.00034%; no homozygotes.

Submission:

Labcorp Genetics (formerly Invitae), Labcorp
Classification: Pathogenic for MHC class I deficiency 1. Last evaluated: 2022-06-22. Review status: criteria provided, single submitter. Criteria: Invitae Variant Classification Sherloc (09022015). Collection method: clinical testing. Allele origin: germline.
Comment: For these reasons, this variant has been classified as Pathogenic. This variant has not been reported in the literature in individuals affected with TAP2-related conditions. This variant is present in population databases (rs781370484, gnomAD 0.002%). This sequence change creates a premature translational stop signal (p.Trp367*) in the TAP2 gene. It is expected to result in an absent or disrupted protein product. Loss-of-function variants in TAP2 are known to be pathogenic (PMID: 7517574, 11529920, 12067308, 23662797).

Literature cited by the submitters: PubMed 7517574; PubMed 11529920; PubMed 12067308; PubMed 23662797.

NM_001290043.2(TAP2):c.1101G>A (p.Trp367Ter)

Gene: TAP2 (transporter 2, ATP binding cassette subfamily B member; minus strand). Cytogenetic location: 6p21.32.
Variant type: single nucleotide variant.
Coding change: c.1101G>A on transcript NM_001290043.2 (MANE Select); coding-DNA position 1101, G replaced by A.
Protein change: p.Trp367Ter; replaces tryptophan 367 with a stop codon.
Molecular consequence: nonsense.
Genome position (GRCh38, 1-based): chr6:32,832,669, C>T on the plus strand (G>A on the coding strand, the complement: TAP2 is on the minus strand). VCF-style: chr6-32832669-C-T. GRCh37 (hg19) VCF-style: chr6-32800446-C-T.
Other names: c.1101G>A, p.Trp367Ter (NM_000544.3, NM_018833.3); short protein forms W367*.
Identifiers: ClinVar variation 1459385 (VCV001459385.6), dbSNP rs781370484, ClinGen allele CA3745998.